The following is an entry in ClinVar:

NM_003850.3(SUCLA2):c.479G>A (p.Arg160Gln)

Gene: SUCLA2 (succinate-CoA ligase ADP-forming subunit beta; minus strand). Cytogenetic location: 13q14.2.
Variant type: single nucleotide variant.
Coding change: c.479G>A on transcript NM_003850.3 (MANE Select); coding-DNA position 479, G replaced by A.
Protein change: p.Arg160Gln; replaces arginine 160 with glutamine.
Molecular consequence: missense variant.
Genome position (GRCh38, 1-based): chr13:47,988,596, C>T on the plus strand (G>A on the coding strand, the complement: SUCLA2 is on the minus strand). VCF-style: chr13-47988596-C-T. GRCh37 (hg19) VCF-style: chr13-48562731-C-T.
Other names: p.R160Q:CGA>CAA; short protein forms R160Q.
Identifiers: ClinVar variation 203955 (VCV000203955.2), dbSNP rs370898100, ClinGen allele CA313018.
Genomic context (GRCh38, chr13:47,988,596, plus strand): 5'-CTCACTTGAAATGACCTTTCCATTGTTATTGCAAAGTAGTATTCTCTCCTGGGATATTTT[C>T]GCTCACAGACCAATACTTGATTGCATATTCTGCCCTTTTCTCCCGTTTGCTTGGTAAACA-3'
Protein context (NP_003841.1, residues 150-170): RICNQVLVCE[Arg160Gln]KYPRREYYFA

ClinVar aggregate classification (germline): Likely pathogenic (1 of 4 stars; one submission).

Allele frequency attached by ClinVar (database versions not stated): gnomAD 0.00001 and 0.00003; gnomAD exomes 0.00001.
gnomAD v4.1: 10 of 1,613,776 alleles (0.00062%); highest among the groups gnomAD compares: East Asian, 0.0022%; no homozygotes.

Submission:

GeneDx
Classification: Likely pathogenic. Last evaluated: 2014-04-17. Review status: criteria provided, single submitter. Criteria: GeneDx Variant Classification (06012015). Collection method: clinical testing. Allele origin: germline. Affected: yes.
Comment: p.Arg160Gln (CGA>CAA): c.479 G>A in exon 4 of the SUCLA2 gene (NM_003850.2) A R160Q variant that is likely pathogenic was identified in the SUCLA2 gene. It has not been published as a mutation, nor has it been reported as a benign polymorphism to our knowledge. The R160Q variant is a semi-conservative amino acid substitution, which may impact secondary protein structure as these residues differ in some properties. This substitution occurs at a position that is highly conserved across species. In silico analysis predicts this variant is probably damaging to the protein structure/function. Therefore, this variant is a strong candidate for a pathogenic mutation, however the possibility that it is a benign variant cannot be excluded. The variant is found in MITONUC-MITOP panel(s).